The following is an entry in ClinVar:

NM_007294.4(BRCA1):c.4342A>G (p.Ser1448Gly)

Gene: BRCA1 (BRCA1 DNA repair associated; minus strand). Cytogenetic location: 17q21.31.
Variant type: single nucleotide variant.
Coding change: c.4342A>G on transcript NM_007294.4 (MANE Select); coding-DNA position 4342, A replaced by G.
Protein change: p.Ser1448Gly; replaces serine 1448 with glycine.
Molecular consequence: missense variant. On other transcripts: non-coding transcript variant (1).
Genome position (GRCh38, 1-based): chr17:43,082,419, T>C on the plus strand (A>G on the coding strand, the complement: BRCA1 is on the minus strand). VCF-style: chr17-43082419-T-C. GRCh37 (hg19) VCF-style: chr17-41234436-T-C.
Other names: 4461A>G; c.4342A>G, p.Ser1448Gly (NM_001407617.1, NM_001407618.1, NM_001407619.1 and 23 more transcripts); c.4339A>G, p.Ser1447Gly (NM_001407624.1, NM_001407625.1, NM_001407626.1 and 21 more transcripts); c.4264A>G, p.Ser1422Gly (NM_001407658.1, NM_001407653.1, NM_001407654.1 and 2 more transcripts); c.4258A>G, p.Ser1420Gly (NM_001407659.1, NM_001407660.1); c.4261A>G, p.Ser1421Gly (NM_001407661.1, NM_001407662.1, NM_001407663.1 and 1 more transcripts); c.4219A>G, p.Ser1407Gly (NM_001407664.1, NM_001407665.1, NM_001407666.1 and 13 more transcripts); c.4216A>G, p.Ser1406Gly (NM_001407681.1, NM_001407682.1, NM_001407683.1 and 12 more transcripts); and 52 more; short protein forms S1448G, S1401G, S345G, S1358G, S1422G, S234G, S274G, S296G.
Identifiers: ClinVar variation 55174 (VCV000055174.29), dbSNP rs80357486, ClinGen allele CA002776.

ClinVar aggregate classification (germline): Conflicting classifications of pathogenicity. Review status: criteria provided, conflicting classifications (1 of 4 stars). 13 submissions from 13 submitters: Uncertain significance (4); Benign (2); Likely benign (2). 5 of the submissions do not count toward it. Last evaluated 2025-10-15.

Conditions:
Hereditary cancer-predisposing syndrome. Also called: Hereditary Cancer Syndrome; Hereditary neoplastic syndrome; Neoplastic Syndromes, Hereditary; Tumor predisposition. Identifiers: Orphanet 140162, MedGen C0027672, MeSH D009386, MONDO:0015356.
Breast neoplasm. Also called: Neoplasm of the breast; Neoplasm of breast; Breast tumor; Breast Neoplasms. Identifiers: MedGen C1458155, MeSH D001943, MONDO:0021100, HP:0100013. Disease mechanism: gain of function.
Hereditary breast ovarian cancer syndrome. Also called: BRCA1- and BRCA2-Associated Hereditary Breast and Ovarian Cancer; Hereditary breast and ovarian cancer syndrome; Hereditary breast and ovarian cancer syndrome (HBOC); Breast and ovarian cancer; Hereditary breast and/or ovarian cancer syndrome; Hereditary breast and ovarian cancer. Identifiers: Orphanet 145, MedGen C0677776, MeSH D061325, MONDO:0003582. Disease mechanism: loss of function.
Breast-ovarian cancer, familial, susceptibility to, 1 (BROVCA1). Also called: BRCA1 Hereditary Breast and Ovarian Cancer; OVARIAN CANCER, SUSCEPTIBILITY TO. Identifiers: Orphanet 145, MedGen C2676676, MONDO:0011450, OMIM 604370. Disease mechanism: loss of function.

Allele frequency attached by ClinVar (database versions not stated): TOPMed 0.00002; ExAC 0.00001; gnomAD 0.00002 and 0.00001; gnomAD exomes 0.00001; ESP Exome Variant Server 0.00008.
gnomAD v4.1: 16 of 1,613,976 alleles (0.00099%); highest among the groups gnomAD compares: Non-Finnish European, 0.0013%; no homozygotes.

Submissions (13):

Labcorp Genetics (formerly Invitae), Labcorp
Classification: Likely benign for Hereditary breast ovarian cancer syndrome. Last evaluated: 2025-10-15. Review status: criteria provided, single submitter. Criteria: Invitae Variant Classification Sherloc (09022015). Collection method: clinical testing. Allele origin: germline.

Mendelics
Classification: Uncertain significance for Breast-ovarian cancer, familial, susceptibility to, 1. Last evaluated: 2019-05-28. Review status: criteria provided, single submitter. Criteria: Mendelics Assertion Criteria 2017. Collection method: clinical testing. Allele origin: unknown.

GeneDx
Classification: Likely benign. Last evaluated: 2018-04-13. Review status: criteria provided, single submitter. Criteria: GeneDx Variant Classification Process June 2021. Collection method: clinical testing. Allele origin: germline. Affected: yes.
Comment: This variant is associated with the following publications: (PMID: 27403073, 31954625, 24884479, 23867111, 25682074, 23704879)

Genetic Services Laboratory, University of Chicago
Classification: Uncertain significance. Last evaluated: 2016-10-04. Review status: criteria provided, single submitter. Criteria: ACMG Guidelines, 2015. Collection method: clinical testing. Allele origin: germline. Affected: no.

Women's Health and Genetics/Laboratory Corporation of America, LabCorp
Classification: Uncertain significance. Last evaluated: 2016-07-15. Review status: criteria provided, single submitter. Criteria: LabCorp Variant Classification Summary - May 2015. Collection method: clinical testing. Allele origin: germline.
Comment: Variant summary: The BRCA1 c.4342A>G (p.Ser1448Gly) variant involves the alteration of a non-conserved nucleotide. 2/4 in silico tools predict a benign outcome (SNPs&GO not captured due to low reliability index). Ser1448 is not highly conserved in vertebrates and is not located in a known functional domain of the Breast cancer type 1 susceptibility protein. Multiple assays have shown that this variant has no impact on function, including a Cisplatin (anticancer drug) sensitivity assay, transcription activation assay, and the ability to support growth proliferation in deficient embryonic stem cells (Bouwman_Cancer Discovery_2013 and Woods_GenomicMed_2016). This variant was found in 2/121452 control chromosomes at a frequency of 0.0000165, which does not exceed the estimated maximal expected allele frequency of a pathogenic BRCA1 variant (0.0010005). The variant has been reported in 3 breast/ovarian cancer patients in the literature without evidence of causality (i.e co-segregation studies). One patient reported in the UMD database carried a pathogenic BRCA2 co-occurrence, c.3545_3546delTT (p.Phe1182X). In addition, multiple clinical diagnostic laboratories/reputable databases classified this variant as either Benign (without evidence to independently evaluate) or a VUS. Taken together, this variant is classified as a VUS-possibly benign until additional information is available.

Color Diagnostics, LLC DBA Color Health
Classification: Benign for Hereditary cancer-predisposing syndrome. Last evaluated: 2016-05-16. Review status: criteria provided, single submitter. Criteria: ACMG Guidelines, 2015. Collection method: clinical testing. Allele origin: germline.

Ambry Genetics
Classification: Benign for Hereditary cancer-predisposing syndrome. Last evaluated: 2015-05-07. Review status: criteria provided, single submitter. Criteria: Ambry Variant Classification Scheme 2023. Collection method: clinical testing. Allele origin: germline.

Clinical and Functional Genomics Group, A.C.Camargo Cancer Center
Classification: Uncertain significance for Breast Cancer. Review status: criteria provided, single submitter. Criteria: Silva et al. (BMC Med Genet. 2014). Collection method: research. Allele origin: germline. Affected: yes.

Counsyl
Classification: Uncertain significance for Breast-ovarian cancer, familial, susceptibility to, 1. Last evaluated: 2016-03-10. Review status: no assertion criteria provided. Collection method: clinical testing. Allele origin: unknown. Not counted in ClinVar's aggregate classification.

Sharing Clinical Reports Project (SCRP)
Classification: Benign for Breast-ovarian cancer, familial 1. Last evaluated: 2012-03-29. Review status: no assertion criteria provided. Collection method: clinical testing. Allele origin: germline. Not counted in ClinVar's aggregate classification.

Breast Cancer Information Core (BIC) (BRCA1)
Classification: Uncertain significance for Breast-ovarian cancer, familial 1. Last evaluated: 2004-11-25. Review status: no assertion criteria provided. Collection method: clinical testing. Allele origin: germline. Affected: yes. Observed: 1 variant allele. Not counted in ClinVar's aggregate classification.

Genome Diagnostics Laboratory, University Medical Center Utrecht
Classification: Likely benign. Review status: no assertion criteria provided. Collection method: clinical testing. Allele origin: germline. Affected: yes. Study: VKGL Data-share Consensus. Not counted in ClinVar's aggregate classification.

Joint Genome Diagnostic Labs from Nijmegen and Maastricht, Radboudumc and MUMC+
Classification: Likely benign. Review status: no assertion criteria provided. Collection method: clinical testing. Allele origin: germline. Affected: yes. Study: VKGL Data-share Consensus. Not counted in ClinVar's aggregate classification.

Literature cited by the submitters: PubMed 25682074 (cited by Women's Health and Genetics/Laboratory Corporation of America, LabCorp); PubMed 20167696 (cited by Women's Health and Genetics/Laboratory Corporation of America, LabCorp); PubMed 24884479 (cited by Women's Health and Genetics/Laboratory Corporation of America, LabCorp and Counsyl); PubMed 23867111 (cited by Women's Health and Genetics/Laboratory Corporation of America, LabCorp and Ambry Genetics); PubMed 23704879 (cited by Women's Health and Genetics/Laboratory Corporation of America, LabCorp); PubMed 23469205 (cited by Clinical and Functional Genomics Group, A.C.Camargo Cancer Center).